The following is an entry in ClinVar:

NM_001122764.3(PPOX):c.742G>C (p.Gly248Arg)

Gene: PPOX (protoporphyrinogen oxidase; plus strand). Cytogenetic location: 1q23.3.
Variant type: single nucleotide variant.
Coding change: c.742G>C on transcript NM_001122764.3 (MANE Select); coding-DNA position 742, G replaced by C.
Protein change: p.Gly248Arg; replaces glycine 248 with arginine.
Molecular consequence: missense variant.
Genome position (GRCh38, 1-based): chr1:161,169,118, G>C. VCF-style: chr1-161169118-G-C. GRCh37 (hg19) VCF-style: chr1-161138908-G-C.
Other names: c.742G>C, p.Gly248Arg (NM_000309.5, NM_001365398.1, NM_001365399.1); c.643G>C, p.Gly215Arg (NM_001350128.2); c.334G>C, p.Gly112Arg (NM_001350129.2, NM_001365400.1); c.256G>C, p.Gly86Arg (NM_001350130.2, NM_001350131.2, NM_001365401.1); short protein forms G112R, G215R, G248R, G86R.
Identifiers: ClinVar variation 1005359 (VCV001005359.12), dbSNP rs767772339, ClinGen allele CA1207235.
Genomic context (GRCh38, chr1:161,169,118, plus strand): 5'-TCACTTCGTGGAGGTCTAGAGATGTTGCCTCAGGCCCTTGAAACCCACCTGACTAGTAGG[G>C]GGGTCAGTGTTCTCAGAGGCCAGCCGGTCTGTGGGCTCAGCCTCCAGGCAGAAGGGCGCT-3'
Protein context (NP_001116236.1, residues 238-258): QALETHLTSR[Gly248Arg]VSVLRGQPVC

ClinVar aggregate classification (germline): Uncertain significance. Review status: criteria provided, single submitter (1 of 4 stars). 3 submissions from 3 submitters: Uncertain significance (1). 2 of the submissions do not count toward it. Last evaluated 2018-06-24.

Allele frequency attached by ClinVar (database versions not stated): ExAC 0.00001; gnomAD 0.00001; gnomAD exomes 0.00001.
gnomAD v4.1: 12 of 1,614,124 alleles (0.00074%); highest among the groups gnomAD compares: Non-Finnish European, 0.00093%; no homozygotes.

Submissions (3):

Labcorp Genetics (formerly Invitae), Labcorp
Classification: Uncertain significance. Last evaluated: 2018-06-24. Review status: criteria provided, single submitter. Criteria: Invitae Variant Classification Sherloc (09022015). Collection method: clinical testing. Allele origin: germline.
Comment: This variant has not been reported in the literature in individuals with PPOX-related disease. This sequence change replaces glycine with arginine at codon 248 of the PPOX protein (p.Gly248Arg). The glycine residue is moderately conserved and there is a moderate physicochemical difference between glycine and arginine. This variant is present in population databases (rs767772339, ExAC 0.002%). Algorithms developed to predict the effect of missense changes on protein structure and function are either unavailable or do not agree on the potential impact of this missense change (SIFT: "Tolerated"; PolyPhen-2: "Probably Damaging"; Align-GVGD: "Class C0"). In summary, the available evidence is currently insufficient to determine the role of this variant in disease. Therefore, it has been classified as a Variant of Uncertain Significance.

Clinical Genetics DNA and cytogenetics Diagnostics Lab, Erasmus MC, Erasmus Medical Center
Classification: Uncertain significance. Review status: no assertion criteria provided. Collection method: clinical testing. Allele origin: germline. Affected: yes. Study: VKGL Data-share Consensus. Not counted in ClinVar's aggregate classification.

Diagnostic Laboratory, Department of Genetics, University Medical Center Groningen
Classification: Uncertain significance. Review status: no assertion criteria provided. Collection method: clinical testing. Allele origin: germline. Affected: yes. Study: VKGL Data-share Consensus. Not counted in ClinVar's aggregate classification.